The following is an entry in ClinVar:

NM_130839.5(UBE3A):c.1753+20del

Genes: SNHG14 (small nucleolar RNA host gene 14; plus strand), UBE3A (ubiquitin protein ligase E3A; minus strand). Cytogenetic location: 15q11.2.
Variant type: Deletion.
Coding change: c.1753+20del on transcript NM_130839.5 (MANE Select); 20 bases into the intron after coding-DNA position 1753, one base deleted (G; older notation c.1753+20delG).
Molecular consequence: intron variant.
Genome position (GRCh38, 1-based): chr15:25,360,363, C deleted on the plus strand (G on the coding strand, the reverse complement: UBE3A is on the minus strand). VCF-style (leftmost placement, unchanged base first): chr15-25360362-TC-T. GRCh37 (hg19) VCF-style: chr15-25605509-TC-T.
Other names: c.1576+20del (NM_001354546.2); c.442+20del (NM_001354551.2); c.1693+20del (NM_001354549.2, NM_001354548.2, NM_130838.4 and 17 more transcripts); c.502+20del (NM_001354550.2); c.1753+20del (NM_001354545.2, NM_001354538.2, NM_001354505.1); c.1762+20del (NM_000462.5).
Identifiers: ClinVar variation 516846 (VCV000516846.1), dbSNP rs1161685208, ClinGen allele CA616683072.

ClinVar aggregate classification (germline): Likely benign (1 of 4 stars; one submission).

Allele frequency attached by ClinVar (database versions not stated): gnomAD exomes below 0.00001 and 0.00001; TOPMed below 0.00001; gnomAD 0.00001.

Submission:

GeneDx
Classification: Likely benign. Last evaluated: 2018-01-26. Review status: criteria provided, single submitter. Criteria: GeneDx Variant Classification (06012015). Collection method: clinical testing. Allele origin: germline. Affected: yes.
Comment: This variant is considered likely benign or benign based on one or more of the following criteria: it is a conservative change, it occurs at a poorly conserved position in the protein, it is predicted to be benign by multiple in silico algorithms, and/or has population frequency not consistent with disease.